The following is an entry in ClinVar:

NM_000179.3(MSH6):c.1569_1572del (p.Tyr524fs)

Gene: MSH6 (mutS homolog 6; plus strand). Cytogenetic location: 2p16.3.
Variant type: Deletion.
Coding change: c.1569_1572del on transcript NM_000179.3 (MANE Select); coding-DNA positions 1569 to 1572, 4 bases deleted (TTAC; older notation c.1569_1572delTTAC).
Protein change: p.Tyr524fs; shifts the reading frame from tyrosine 524.
Molecular consequence: frameshift variant.
Genome position (GRCh38, 1-based): chr2:47,799,552-47,799,555, TTAC deleted; deleting any 4 consecutive bases within chr2:47,799,550-47,799,555 gives the same sequence; the c. name uses the placement nearest the transcript's 3' end. VCF-style (leftmost placement, unchanged base first): chr2-47799549-GACTT-G. GRCh37 (hg19) VCF-style: chr2-48026688-GACTT-G.
Other names: c.1179_1182del, p.Tyr394fs (NM_001281492.2); c.663_666del, p.Tyr222fs (NM_001281493.2, NM_001281494.2); c.1569_1572delTTAC (NM_000179.2); short protein forms Y222fs, Y394fs, Y524fs.
Identifiers: ClinVar variation 1386337 (VCV001386337.9), dbSNP rs2104352046, ClinGen allele CA2573134924.

ClinVar aggregate classification (germline): Pathogenic/Likely pathogenic. Review status: criteria provided, multiple submitters, no conflicts (2 of 4 stars). 4 submissions from 4 submitters: Pathogenic (3); Likely pathogenic (1). Last evaluated 2024-06-29.

Conditions:
Lynch syndrome 5 (LYNCH5). Also called: Hereditary non-polyposis colorectal cancer, type 5; Colorectal cancer, hereditary nonpolyposis, type 5. Identifiers: Orphanet 144, MedGen C1833477, MONDO:0013710, OMIM 614350. Disease mechanism: loss of function.
MSH6-related disorder. Also called: MSH6-related condition; MSH6-Related disorders.
Hereditary nonpolyposis colorectal neoplasms. Identifiers: MedGen C0009405, MeSH D003123.
Hereditary cancer-predisposing syndrome. Also called: Hereditary neoplastic syndrome; Hereditary Cancer Syndrome; Tumor predisposition; Neoplastic Syndromes, Hereditary. Identifiers: Orphanet 140162, MedGen C0027672, MeSH D009386, MONDO:0015356.

Submissions (4):

Labcorp Genetics (formerly Invitae), Labcorp
Classification: Pathogenic for Hereditary nonpolyposis colorectal neoplasms. Last evaluated: 2024-06-29. Review status: criteria provided, single submitter. Criteria: Invitae Variant Classification Sherloc (09022015). Collection method: clinical testing. Allele origin: germline.
Comment: This sequence change creates a premature translational stop signal (p.Tyr524Valfs*46) in the MSH6 gene. It is expected to result in an absent or disrupted protein product. Loss-of-function variants in MSH6 are known to be pathogenic (PMID: 18269114, 24362816). This variant is not present in population databases (gnomAD no frequency). This variant has not been reported in the literature in individuals affected with MSH6-related conditions. ClinVar contains an entry for this variant (Variation ID: 1386337). For these reasons, this variant has been classified as Pathogenic.

Ambry Genetics
Classification: Pathogenic for Hereditary cancer-predisposing syndrome. Last evaluated: 2024-03-04. Review status: criteria provided, single submitter. Criteria: Ambry Variant Classification Scheme 2023. Collection method: clinical testing. Allele origin: germline.
Comment: The c.1569_1572delTTAC pathogenic mutation, located in coding exon 4 of the MSH6 gene, results from a deletion of 4 nucleotides at nucleotide positions 1569 to 1572, causing a translational frameshift with a predicted alternate stop codon (p.Y524Vfs*46). This alteration is expected to result in loss of function by premature protein truncation or nonsense-mediated mRNA decay. As such, this alteration is interpreted as a disease-causing mutation.

Myriad Genetics, Inc.
Classification: Pathogenic for Lynch syndrome 5. Last evaluated: 2023-08-14. Review status: criteria provided, single submitter. Criteria: Myriad Autosomal Dominant, Autosomal Recessive and X-Linked Classification Criteria (2023). Collection method: clinical testing. Allele origin: unknown.
Comment: This variant is considered pathogenic. This variant creates a frameshift predicted to result in premature protein truncation.

Blueprint Genetics
Classification: Likely pathogenic for MSH6-related disorders. Last evaluated: 2021-06-23. Review status: criteria provided, single submitter. Criteria: ACMG Guidelines, 2015. Collection method: clinical testing. Allele origin: germline. Affected: yes. Observed: 1 variant allele.

Literature cited by the submitters: PubMed 18269114 (cited by Labcorp Genetics (formerly Invitae), Labcorp); PubMed 24362816 (cited by Labcorp Genetics (formerly Invitae), Labcorp).